The following is an entry in ClinVar:

NM_000261.2(MYOC):c.856T>C (p.Trp286Arg)

Gene: MYOC (myocilin; minus strand). Cytogenetic location: 1q24.3.
Variant type: single nucleotide variant.
Coding change: c.856T>C on transcript NM_000261.2 (MANE Select); coding-DNA position 856, T replaced by C.
Protein change: p.Trp286Arg; replaces tryptophan 286 with arginine.
Molecular consequence: missense variant.
Genome position (GRCh38, 1-based): chr1:171,636,584, A>G on the plus strand (T>C on the coding strand, the complement: MYOC is on the minus strand). VCF-style: chr1-171636584-A-G. GRCh37 (hg19) VCF-style: chr1-171605724-A-G.
Other names: NM_000261.2:c.856T>C; short protein forms W286R.
Identifiers: ClinVar variation 1342197 (VCV001342197.6), dbSNP rs1351328951, ClinGen allele CA343725818.

ClinVar aggregate classification (germline): Likely pathogenic (3 of 4 stars; one submission).

Conditions:
Open-angle glaucoma. Identifiers: MedGen C0017612, MONDO:0005338, HP:0012108.

Allele frequency attached by ClinVar (database versions not stated): TOPMed 0.00001; gnomAD exomes 0.00001.
gnomAD v4.1: 15 of 1,611,596 alleles (0.00093%); highest among the groups gnomAD compares: Admixed American, 0.0033%; no homozygotes.

Submission:

ClinGen Glaucoma Variant Curation Expert Panel
Classification: Likely pathogenic for Open-angle glaucoma. Last evaluated: 2026-01-20. Review status: reviewed by expert panel. Criteria: ClinGen Glaucoma ACMG Specifications V2.0.0 Approved. Collection method: curation. Allele origin: germline. Inheritance: Autosomal dominant inheritance.
Comment: The c.856T>C variant in MYOC is a missense variant predicted to cause substitution of Tryptophan by Arginine at amino acid 286 (p.Trp286Arg). The highest minor allele frequency of this variant was in the Admixed American genetic ancestry group of gnomAD (v4.1.0) = 0.0000334 (2 alleles out of 59,872), which met the ≤ 0.0001 threshold set for PM2_Supporting in a genetic ancestry group of at least 10,000 alleles. The REVEL score = 0.917, which was within the 0.773-0.931 range for PP3_Moderate, predicting a damaging effect on MYOC function. The Trp286Arg protein had increased insolubility levels compared to wild type myocilin protein in this study (PMID: 16466712). The assay met the OddsPath threshold for PS3_Moderate (> 4.3), indicating that this variant did impact protein function. Only 2 segregations had been reported for primary open angle glaucoma (E. Souzeau pers. comm.), not meeting the ≥ 3 segregations required for PP1. 5 probands with juvenile or primary open angle glaucoma have been reported carrying this variant (PMIDs: 23453510, 22879734, 9535666, E. Souzeau pers. comm.), which met PS4_Supporting (≥ 2 probands). In summary, this variant met the criteria to receive a score of 6 and to be classified as likely pathogenic (likely pathogenic classification range 6 to 9, adapted from PMID: 32720330) for juvenile open angle glaucoma based on the ACMG/AMP criteria met, as specified by the ClinGen Glaucoma VCEP (v2.0.0, 5 Dec 2024): PS3_Moderate, PP3_Moderate, PS4_Supporting, PM2_Supporting

Literature cited by the submitters: PubMed 21612213.